The following is an entry in ClinVar:

NM_020774.4(MIB1):c.1134C>G (p.Asp378Glu)

Gene: MIB1 (MIB E3 ubiquitin protein ligase 1; plus strand). Cytogenetic location: 18q11.2.
Variant type: single nucleotide variant.
Coding change: c.1134C>G on transcript NM_020774.4 (MANE Select); coding-DNA position 1134, C replaced by G.
Protein change: p.Asp378Glu; replaces aspartic acid 378 with glutamic acid.
Molecular consequence: missense variant.
Genome position (GRCh38, 1-based): chr18:21,798,125, C>G. VCF-style: chr18-21798125-C-G. GRCh37 (hg19) VCF-style: chr18-19378086-C-G.
Other names: short protein forms D378E.
Identifiers: ClinVar variation 4107608 (VCV004107608.2).

ClinVar aggregate classification (germline): Uncertain significance (1 of 4 stars; one submission).

Conditions:
Inborn genetic diseases. Identifiers: MedGen C0950123, MeSH D030342.

Submission:

Ambry Genetics
Classification: Uncertain significance for Inborn genetic diseases. Last evaluated: 2026-07-09. Review status: criteria provided, single submitter. Criteria: Ambry Variant Classification Scheme 2023. Collection method: clinical testing. Allele origin: germline.
Comment: The p.D378E variant (also known as c.1134C>G), located in coding exon 8 of the MIB1 gene, results from a C to G substitution at nucleotide position 1134. The aspartic acid at codon 378 is replaced by glutamic acid, an amino acid with highly similar properties. This amino acid position is conserved. In addition, this alteration is predicted to be tolerated by in silico analysis. Based on the available evidence, the clinical significance of this variant remains unclear.